The following is an entry in ClinVar:

ClinVar aggregate classification (germline): Pathogenic (1 of 4 stars; one submission).

Conditions:
Hereditary breast ovarian cancer syndrome. Also called: Hereditary breast and ovarian cancer syndrome (HBOC); Breast and ovarian cancer; Hereditary breast and ovarian cancer; Hereditary breast and ovarian cancer syndrome; BRCA1- and BRCA2-Associated Hereditary Breast and Ovarian Cancer; Hereditary breast and/or ovarian cancer syndrome. Identifiers: Orphanet 145, MedGen C0677776, MeSH D061325, MONDO:0003582. Disease mechanism: loss of function.

Submission:

Women's Health and Genetics/Laboratory Corporation of America, LabCorp
Classification: Pathogenic for Hereditary breast ovarian cancer syndrome. Last evaluated: 2026-01-07. Review status: criteria provided, single submitter. Criteria: LabCorp Variant Classification Summary - May 2015. Collection method: clinical testing. Allele origin: germline.
Comment: Variant summary: The variant involves the duplication of exons 4-6 in the BRCA1 gene. It is assumed to be a tandem duplication in direct orientation (PMIDs: 25640679, 30054569). This Copy Number Variant (CNV) is expected to alter the reading frame and predicted to result in a truncation or absence of the encoded protein due to nonsense mediated decay (NMD). Loss-of-function variants in this gene are known to be pathogenic. A presumed nomenclature of c.(134+1_135-1)_(441+1_442-1)dup has been designated for the purposes of this classification. The variant was absent in 21694 control chromosomes. c.(134+1_135-1)_(441+1_442-1)dup has been observed in individual(s) affected with Hereditary Breast And Ovarian Cancer Syndrome (examples: Kim_2017, Pinheiro_2020, and Ea_2024). These data indicate that the variant is likely to be associated with disease. The following publications have been ascertained in the context of this evaluation (PMID: 32971473, 28351343, 38892462). ClinVar contains an entry for this variant (Variation ID: 1067334). Based on the evidence outlined above, the variant was classified as pathogenic.

Literature cited by the submitters: PubMed 28351343; PubMed 38892462; PubMed 32971473.

NC_000017.10:g.(41251898_41256138)_(41258551_41267742)dup

Gene: BRCA1 (BRCA1 DNA repair associated; minus strand). Cytogenetic location: 17q21.31.
Variant type: Duplication.
Identifiers: ClinVar variation 4689574 (VCV004689574.1).